The following is an entry in ClinVar:

NM_002334.4(LRP4):c.1538C>G (p.Pro513Arg)

Gene: LRP4 (LDL receptor related protein 4; minus strand). Cytogenetic location: 11p11.2.
Variant type: single nucleotide variant.
Coding change: c.1538C>G on transcript NM_002334.4 (MANE Select); coding-DNA position 1538, C replaced by G.
Protein change: p.Pro513Arg; replaces proline 513 with arginine.
Molecular consequence: missense variant.
Genome position (GRCh38, 1-based): chr11:46,894,591, G>C on the plus strand (C>G on the coding strand, the complement: LRP4 is on the minus strand). VCF-style: chr11-46894591-G-C. GRCh37 (hg19) VCF-style: chr11-46916142-G-C.
Other names: c.1538C>G (NM_002334.3); short protein forms P513R.
Identifiers: ClinVar variation 1386288 (VCV001386288.10), dbSNP rs748357296, ClinGen allele CA5970124.

ClinVar aggregate classification (germline): Uncertain significance. Review status: criteria provided, multiple submitters, no conflicts (2 of 4 stars). 3 submissions from 3 submitters: Uncertain significance (3). Last evaluated 2022-12-16.

Conditions:
Sclerosteosis 2 (SOST2). Identifiers: Orphanet 3152, MedGen C3280402, MONDO:0013679, OMIM 614305.
Congenital myasthenic syndrome 17. Identifiers: Orphanet 590, MedGen C4225377, MONDO:0014578, OMIM 616304.
Cenani-Lenz syndactyly syndrome. Also called: SYNDACTYLY, TYPE VII; CENANI SYNDACTYLISM. Identifiers: Orphanet 3258, MedGen C1859309, MONDO:0008931, OMIM 212780.
Inborn genetic diseases. Identifiers: MedGen C0950123, MeSH D030342.

Allele frequency attached by ClinVar (database versions not stated): gnomAD 0.00001; TOPMed 0.00002.
gnomAD v4.1: 10 of 1,600,990 alleles (0.00062%); highest among the groups gnomAD compares: Non-Finnish European, 0.00077%; no homozygotes.

Submissions (3):

Ambry Genetics
Classification: Uncertain significance for Inborn genetic diseases. Last evaluated: 2022-12-16. Review status: criteria provided, single submitter. Criteria: Ambry Variant Classification Scheme 2023. Collection method: clinical testing. Allele origin: germline.

Fulgent Genetics
Classification: Uncertain significance for Cenani-Lenz syndactyly syndrome; Sclerosteosis 2; Congenital myasthenic syndrome 17. Last evaluated: 2022-04-30. Review status: criteria provided, single submitter. Criteria: ACMG Guidelines, 2015. Collection method: clinical testing. Allele origin: unknown.

Labcorp Genetics (formerly Invitae), Labcorp
Classification: Uncertain significance for Cenani-Lenz syndactyly syndrome; Sclerosteosis 2; Congenital myasthenic syndrome 17. Last evaluated: 2021-04-04. Review status: criteria provided, single submitter. Criteria: Invitae Variant Classification Sherloc (09022015). Collection method: clinical testing. Allele origin: germline.
Comment: Algorithms developed to predict the effect of missense changes on protein structure and function are either unavailable or do not agree on the potential impact of this missense change (SIFT: "Deleterious"; PolyPhen-2: "Probably Damaging"; Align-GVGD: "Class C0"). This variant has not been reported in the literature in individuals with LRP4-related conditions. The frequency data for this variant in the population databases is considered unreliable, as metrics indicate poor data quality at this position in the ExAC database. This sequence change replaces proline with arginine at codon 513 of the LRP4 protein (p.Pro513Arg). The proline residue is highly conserved and there is a moderate physicochemical difference between proline and arginine. In summary, the available evidence is currently insufficient to determine the role of this variant in disease. Therefore, it has been classified as a Variant of Uncertain Significance.